The following is an entry in ClinVar:

ClinVar aggregate classification (germline): Uncertain significance (1 of 4 stars; one submission).

Conditions:
Weaver syndrome (WVS). Also called: Weaver Smith syndrome; Overgrowth syndrome with accelerated skeletal maturation, unusual facies, and camptodactyly. Identifiers: Orphanet 3447, MedGen C0265210, MONDO:0010193, OMIM 277590.

Allele frequency attached by ClinVar (database versions not stated): gnomAD exomes below 0.00001 and 0.00002; gnomAD 0.00005.
gnomAD v4.1: 14 of 1,612,240 alleles (0.00087%); highest among the groups gnomAD compares: Admixed American, 0.024%; no homozygotes.

Submission:

Labcorp Genetics (formerly Invitae), Labcorp
Classification: Uncertain significance for Weaver syndrome. Last evaluated: 2021-04-05. Review status: criteria provided, single submitter. Criteria: Invitae Variant Classification Sherloc (09022015). Collection method: clinical testing. Allele origin: germline.
Comment: This sequence change replaces arginine with lysine at codon 33 of the EZH2 protein (p.Arg33Lys). The arginine residue is moderately conserved and there is a small physicochemical difference between arginine and lysine. This variant is not present in population databases (ExAC no frequency). This variant has not been reported in the literature in individuals with EZH2-related conditions. Algorithms developed to predict the effect of missense changes on protein structure and function are either unavailable or do not agree on the potential impact of this missense change (SIFT: "Tolerated"; PolyPhen-2: "Possibly Damaging"; Align-GVGD: "Class C0"). In summary, the available evidence is currently insufficient to determine the role of this variant in disease. Therefore, it has been classified as a Variant of Uncertain Significance.

NM_004456.5(EZH2):c.98G>A (p.Arg33Lys)

Gene: EZH2 (enhancer of zeste 2 polycomb repressive complex 2 subunit; minus strand). Cytogenetic location: 7q36.1.
Variant type: single nucleotide variant.
Coding change: c.98G>A on transcript NM_004456.5 (MANE Select); coding-DNA position 98, G replaced by A.
Protein change: p.Arg33Lys; replaces arginine 33 with lysine.
Molecular consequence: missense variant.
Genome position (GRCh38, 1-based): chr7:148,847,201, C>T on the plus strand (G>A on the coding strand, the complement: EZH2 is on the minus strand). VCF-style: chr7-148847201-C-T. GRCh37 (hg19) VCF-style: chr7-148544293-C-T.
Other names: c.98G>A, p.Arg33Lys (NM_001203247.2, NM_001203248.2, NM_001203249.2 and 1 more transcripts); short protein forms R33K.
Identifiers: ClinVar variation 1474019 (VCV001474019.8), dbSNP rs1196167328, ClinGen allele CA369708426.